The following is an entry in ClinVar:

ClinVar aggregate classification (germline): Pathogenic. Review status: criteria provided, multiple submitters, no conflicts (2 of 4 stars). 2 submissions from 2 submitters: Pathogenic (2). Last evaluated 2019-07-06.

Conditions:
Renal cysts and diabetes syndrome (RCAD). Also called: Familial hypoplastic, glomerulocystic kidney; MATURITY-ONSET DIABETES OF THE YOUNG, TYPE 5. Identifiers: Orphanet 93111, MedGen C0431693, MONDO:0007669, OMIM 137920.

Submissions (2):

Institute of Human Genetics, FAU Erlangen, Friedrich-Alexander-Universität Erlangen-Nürnberg
Classification: Pathogenic for Renal cysts and diabetes syndrome. Last evaluated: 2019-07-06. Review status: criteria provided, single submitter. Criteria: ACMG Guidelines, 2015. Collection method: literature only. Allele origin: germline. Affected: yes.
Comment: This variant and it's classification has been reported by Vasileiou et al. 2019; DOI:10.1101/576918. The variants has previously been reported in ClinVar:447512 as "NM_000458.3(HNF1B):c.344+1G>A" with clinical significance Pathogenic. It has been re-classified using InterVar and manual curation as Pathogenic based on PVS1 PM2 PP3.

Athena Diagnostics
Classification: Pathogenic. Last evaluated: 2016-12-07. Review status: criteria provided, single submitter. Criteria: Athena Diagnostics Criteria. Collection method: clinical testing. Allele origin: germline.

Literature cited by the submitters: DOI 10.1101/576918 (cited by Institute of Human Genetics, FAU Erlangen, Friedrich-Alexander-Universität Erlangen-Nürnberg).

NM_000458.4(HNF1B):c.344+1G>A

Gene: HNF1B (HNF1 homeobox B; minus strand). Cytogenetic location: 17q12.
Variant type: single nucleotide variant.
Coding change: c.344+1G>A on transcript NM_000458.4 (MANE Select); the canonical splice donor site of the intron after coding-DNA position 344, G replaced by A.
Molecular consequence: splice donor variant.
Genome position (GRCh38, 1-based): chr17:37,744,540, C>T on the plus strand (G>A on the coding strand, the complement: HNF1B is on the minus strand). VCF-style: chr17-37744540-C-T. GRCh37 (hg19) VCF-style: chr17-36104531-C-T.
Other names: c.344+1G>A (NM_001304286.2, NM_001165923.4, NM_001411100.1).
Identifiers: ClinVar variation 447512 (VCV000447512.2), dbSNP rs1555832998, ClinGen allele CA398752880.